The following is an entry in ClinVar:

NM_024589.3(ROGDI):c.424G>T (p.Val142Phe)

Gene: ROGDI (rogdi atypical leucine zipper; minus strand). Cytogenetic location: 16p13.3.
Variant type: single nucleotide variant.
Coding change: c.424G>T on transcript NM_024589.3 (MANE Select); coding-DNA position 424, G replaced by T.
Protein change: p.Val142Phe; replaces valine 142 with phenylalanine.
Molecular consequence: missense variant. On other transcripts: non-coding transcript variant (1).
Genome position (GRCh38, 1-based): chr16:4,799,694, C>A on the plus strand (G>T on the coding strand, the complement: ROGDI is on the minus strand). VCF-style: chr16-4799694-C-A. GRCh37 (hg19) VCF-style: chr16-4849695-C-A.
Other names: short protein forms V142F.
Identifiers: ClinVar variation 1046938 (VCV001046938.7), dbSNP rs1255273555, ClinGen allele CA394653176.

ClinVar aggregate classification (germline): Uncertain significance (1 of 4 stars; one submission).

Conditions:
Amelocerebrohypohidrotic syndrome (KTZS). Also called: EPILEPSY AND YELLOW TEETH; EPILEPSY, DEMENTIA, AND AMELOGENESIS IMPERFECTA; KOHLSCHUTTER SYNDROME; Kohlschutter's syndrome. Identifiers: Orphanet 1946, MedGen C0406740, MONDO:0009185, OMIM 226750.

gnomAD v4.1: 3 of 1,612,738 alleles (0.00019%); highest among the groups gnomAD compares: Non-Finnish European, 0.00017%; no homozygotes.

Submission:

Labcorp Genetics (formerly Invitae), Labcorp
Classification: Uncertain significance for Amelocerebrohypohidrotic syndrome. Last evaluated: 2020-02-18. Review status: criteria provided, single submitter. Criteria: Invitae Variant Classification Sherloc (09022015). Collection method: clinical testing. Allele origin: germline.
Comment: This sequence change replaces valine with phenylalanine at codon 142 of the ROGDI protein (p.Val142Phe). The valine residue is highly conserved and there is a small physicochemical difference between valine and phenylalanine. This variant is not present in population databases (ExAC no frequency). This variant has not been reported in the literature in individuals with ROGDI-related conditions. Algorithms developed to predict the effect of missense changes on protein structure and function are either unavailable or do not agree on the potential impact of this missense change (SIFT: "Deleterious"; PolyPhen-2: "Probably Damaging"; Align-GVGD: "Class C0"). In summary, the available evidence is currently insufficient to determine the role of this variant in disease. Therefore, it has been classified as a Variant of Uncertain Significance.